The following is an entry in ClinVar:

ClinVar aggregate classification (germline): Uncertain significance (1 of 4 stars; one submission).

Submission:

GeneDx
Classification: Uncertain significance. Last evaluated: 2024-04-01. Review status: criteria provided, single submitter. Criteria: GeneDx Variant Classification Process June 2021. Collection method: clinical testing. Allele origin: germline. Affected: yes.
Comment: Not observed at significant frequency in large population cohorts (gnomAD); In silico analysis supports that this missense variant has a deleterious effect on protein structure/function; Has not been previously published as pathogenic or benign to our knowledge

NM_001348716.2(KDM6B):c.4475A>G (p.Gln1492Arg)

Genes: KDM6B (lysine demethylase 6B; plus strand), LOC121587574 (Sharpr-MPRA regulatory region 3930; plus strand). Cytogenetic location: 17p13.1.
Variant type: single nucleotide variant.
Coding change: c.4475A>G on transcript NM_001348716.2 (MANE Select); coding-DNA position 4475, A replaced by G.
Protein change: p.Gln1492Arg; replaces glutamine 1492 with arginine.
Molecular consequence: missense variant.
Genome position (GRCh38, 1-based): chr17:7,852,501, A>G. VCF-style: chr17-7852501-A-G. GRCh37 (hg19) VCF-style: chr17-7755819-A-G.
Other names: c.4475A>G, p.Gln1492Arg (NM_001080424.2); short protein forms Q1492R.
Identifiers: ClinVar variation 3371941 (VCV003371941.1).
Genomic context (GRCh38, chr17:7,852,501, plus strand): 5'-CTAGGTGTCTGGGGGCTGTTTGAGAGTCCTGTTGTGATCGCCTTTGGCCCGCAGCCTATC[A>G]GTACCAGCTGGCCCTGGAACGATACGAGTGGAATGAGGTGAAGAACGTCAAATCCATCGT-3'
Protein context (NP_001335645.1, residues 1482-1502): AWNVGPLTAY[Gln1492Arg]YQLALERYEW